The following is an entry in ClinVar:

ClinVar aggregate classification (germline): Uncertain significance (1 of 4 stars; one submission).

Submission:

Labcorp Genetics (formerly Invitae), Labcorp
Classification: Uncertain significance. Last evaluated: 2023-11-09. Review status: criteria provided, single submitter. Criteria: Invitae Variant Classification Sherloc (09022015). Collection method: clinical testing. Allele origin: germline.
Comment: This sequence change replaces glutamic acid, which is acidic and polar, with lysine, which is basic and polar, at codon 1588 of the TOP2B protein (p.Glu1588Lys). This variant is not present in population databases (gnomAD no frequency). This variant has not been reported in the literature in individuals affected with TOP2B-related conditions. An algorithm developed to predict the effect of missense changes on protein structure and function (PolyPhen-2) suggests that this variant is likely to be tolerated. In summary, the available evidence is currently insufficient to determine the role of this variant in disease. Therefore, it has been classified as a Variant of Uncertain Significance.

NM_001330700.2(TOP2B):c.4777G>A (p.Glu1593Lys)

Gene: TOP2B (DNA topoisomerase II beta; minus strand). Cytogenetic location: 3p24.2.
Variant type: single nucleotide variant.
Coding change: c.4777G>A on transcript NM_001330700.2 (MANE Select); coding-DNA position 4777, G replaced by A.
Protein change: p.Glu1593Lys; replaces glutamic acid 1593 with lysine.
Molecular consequence: missense variant.
Genome position (GRCh38, 1-based): chr3:25,598,411, C>T on the plus strand (G>A on the coding strand, the complement: TOP2B is on the minus strand). VCF-style: chr3-25598411-C-T. GRCh37 (hg19) VCF-style: chr3-25639902-C-T.
Other names: c.4762G>A, p.Glu1588Lys (NM_001068.3); short protein forms E1593K, E1588K.
Identifiers: ClinVar variation 2874004 (VCV002874004.3), dbSNP rs894117804, ClinGen allele CA71614027.
Genomic context (GRCh38, chr3:25,598,411, plus strand): 5'-ACTCTGCAAAATATTTTACTTCTTTCCTAGCCCGACCGGTTCGTGGCAGAGAAGGTGGCT[C>T]AGTAGGGAAGTCTGAGGGGAAGATGTCCACATCTGAATCCTGATCAAAAGATGTCTTCTT-3'
Protein context (NP_001317629.1, residues 1583-1603): VDIFPSDFPT[Glu1593Lys]PPSLPRTGRA